The following is an entry in ClinVar:

NM_000051.4(ATM):c.7861G>C (p.Glu2621Gln)

Genes: C11orf65 (chromosome 11 open reading frame 65; minus strand), ATM (ATM serine/threonine kinase; plus strand). Cytogenetic location: 11q22.3.
Variant type: single nucleotide variant.
Coding change: c.7861G>C on transcript NM_000051.4 (MANE Select); coding-DNA position 7861, G replaced by C.
Protein change: p.Glu2621Gln; replaces glutamic acid 2621 with glutamine.
Molecular consequence: missense variant. On other transcripts: intron variant (2).
Genome position (GRCh38, 1-based): chr11:108,332,834, G>C. VCF-style: chr11-108332834-G-C. GRCh37 (hg19) VCF-style: chr11-108203561-G-C.
Other names: c.7861G>C, p.Glu2621Gln (NM_001351834.2); c.641-23763C>G (NM_001330368.2); c.*38+2386C>G (NM_001351110.2); short protein forms E2621Q.
Identifiers: ClinVar variation 481142 (VCV000481142.25), dbSNP rs1555125355, ClinGen allele CA382561392.

ClinVar aggregate classification (germline): Uncertain significance. Review status: criteria provided, multiple submitters, no conflicts (2 of 4 stars). 4 submissions from 4 submitters: Uncertain significance (4). Last evaluated 2026-01-18.

Conditions:
Hereditary cancer-predisposing syndrome. Also called: Neoplastic Syndromes, Hereditary; Hereditary Cancer Syndrome; Tumor predisposition; Hereditary neoplastic syndrome. Identifiers: Orphanet 140162, MedGen C0027672, MeSH D009386, MONDO:0015356.
Ataxia-telangiectasia syndrome (AT). Also called: LOUIS-BAR SYNDROME; Cerebello-oculocutaneous telangiectasia; Immunodeficiency with ataxia telangiectasia; Ataxia-telangiectasia, complementation group D; AT, COMPLEMENTATION GROUP C; Ataxia-telangiectasia, complementation group E. Identifiers: Orphanet 100, MedGen C0004135, MONDO:0008840, OMIM 208900.

Allele frequency attached by ClinVar (database versions not stated): gnomAD exomes below 0.00001.
gnomAD v4.1: 1 of 1,613,176 alleles (0.000062%); highest among the groups gnomAD compares: Non-Finnish European, 0.000085%; no homozygotes.

Submissions (4):

Labcorp Genetics (formerly Invitae), Labcorp
Classification: Uncertain significance for Ataxia-telangiectasia syndrome. Last evaluated: 2026-01-18. Review status: criteria provided, single submitter. Criteria: Invitae Variant Classification Sherloc (09022015). Collection method: clinical testing. Allele origin: germline.
Comment: This sequence change replaces glutamic acid, which is acidic and polar, with glutamine, which is neutral and polar, at codon 2621 of the ATM protein (p.Glu2621Gln). This variant is not present in population databases (gnomAD no frequency). This variant has not been reported in the literature in individuals affected with ATM-related conditions. ClinVar contains an entry for this variant (Variation ID: 481142). Invitae Evidence Modeling of protein sequence and biophysical properties (such as structural, functional, and spatial information, amino acid conservation, physicochemical variation, residue mobility, and thermodynamic stability) indicates that this missense variant is not expected to disrupt ATM protein function with a negative predictive value of 95%. In summary, the available evidence is currently insufficient to determine the role of this variant in disease. Therefore, it has been classified as a Variant of Uncertain Significance.

CeGaT Center for Human Genetics Tuebingen
Classification: Uncertain significance. Last evaluated: 2025-09-01. Review status: criteria provided, single submitter. Criteria: CeGaT Center For Human Genetics Tuebingen Variant Classification Criteria Version 2. Collection method: clinical testing. Allele origin: germline. Affected: yes. Observed: 1 variant allele.
Comment: ATM: PM1, PM2

Ambry Genetics
Classification: Uncertain significance for Hereditary cancer-predisposing syndrome. Last evaluated: 2025-03-27. Review status: criteria provided, single submitter. Criteria: Ambry Variant Classification Scheme 2023. Collection method: clinical testing. Allele origin: germline.
Comment: The p.E2621Q variant (also known as c.7861G>C), located in coding exon 52 of the ATM gene, results from a G to C substitution at nucleotide position 7861. The glutamic acid at codon 2621 is replaced by glutamine, an amino acid with highly similar properties. This amino acid position is highly conserved in available vertebrate species. In addition, the in silico prediction for this alteration is inconclusive. Based on the available evidence, the clinical significance of this variant remains unclear.

GeneDx
Classification: Uncertain significance. Last evaluated: 2023-10-10. Review status: criteria provided, single submitter. Criteria: GeneDx Variant Classification Process June 2021. Collection method: clinical testing. Allele origin: germline.
Comment: Not observed at significant frequency in large population cohorts (gnomAD); In silico analysis supports that this missense variant does not alter protein structure/function; Has not been previously published as pathogenic or benign to our knowledge